The following is an entry in ClinVar:

NM_001080432.3(FTO):c.428A>G (p.Asn143Ser)

Gene: FTO (FTO alpha-ketoglutarate dependent dioxygenase; plus strand). Cytogenetic location: 16q12.2.
Variant type: single nucleotide variant.
Coding change: c.428A>G on transcript NM_001080432.3 (MANE Select); coding-DNA position 428, A replaced by G.
Protein change: p.Asn143Ser; replaces asparagine 143 with serine.
Molecular consequence: missense variant.
Genome position (GRCh38, 1-based): chr16:53,826,168, A>G. VCF-style: chr16-53826168-A-G. GRCh37 (hg19) VCF-style: chr16-53860080-A-G.
Other names: c.428A>G, p.Asn143Ser (NM_001363891.2, NM_001363894.2, NM_001363896.2 and 6 more transcripts); c.350A>G, p.Asn117Ser (NM_001363897.2); c.-86A>G (NM_001363905.2); short protein forms N143S, N117S.
Identifiers: ClinVar variation 888057 (VCV000888057.7), dbSNP rs147561986, ClinGen allele CA8058375.
Genomic context (GRCh38, chr16:53,826,168, plus strand): 5'-CTAATATAAAACACACCGAGGCTGAAATAGCCGCTGCTTGTGAGACCTTCCTCAAGCTCA[A>G]TGACTACCTGCAGATAGAAACCATCCAGGCTTTGGAAGAACTTGCTGCCAAAGAGAAGGC-3'
Protein context (NP_001073901.1, residues 133-153): AAACETFLKL[Asn143Ser]DYLQIETIQA

ClinVar aggregate classification (germline): Uncertain significance. Review status: criteria provided, multiple submitters, no conflicts (2 of 4 stars). 3 submissions from 3 submitters: Uncertain significance (3). Last evaluated 2023-12-21.

Conditions:
Lethal polymalformative syndrome, Boissel type. Also called: GROWTH RETARDATION, DEVELOPMENTAL DELAY, AND FACIAL DYSMORPHISM. Identifiers: Orphanet 210144, MedGen C2752001, MONDO:0013050, OMIM 612938.

Allele frequency attached by ClinVar (database versions not stated): 1000 Genomes Project 0.00020; 1000 Genomes Project 30x 0.00031; gnomAD 0.00039; TOPMed 0.00043; gnomAD exomes 0.00045 and 0.00074; ExAC 0.00054; ESP Exome Variant Server 0.00062.

Submissions (3):

Labcorp Genetics (formerly Invitae), Labcorp
Classification: Uncertain significance. Last evaluated: 2023-12-21. Review status: criteria provided, single submitter. Criteria: Invitae Variant Classification Sherloc (09022015). Collection method: clinical testing. Allele origin: germline.
Comment: This sequence change replaces asparagine, which is neutral and polar, with serine, which is neutral and polar, at codon 143 of the FTO protein (p.Asn143Ser). This variant is present in population databases (rs147561986, gnomAD 0.2%), and has an allele count higher than expected for a pathogenic variant. This variant has not been reported in the literature in individuals affected with FTO-related conditions. ClinVar contains an entry for this variant (Variation ID: 888057). Advanced modeling of protein sequence and biophysical properties (such as structural, functional, and spatial information, amino acid conservation, physicochemical variation, residue mobility, and thermodynamic stability) has been performed at Invitae for this missense variant, however the output from this modeling did not meet the statistical confidence thresholds required to predict the impact of this variant on FTO protein function. In summary, the available evidence is currently insufficient to determine the role of this variant in disease. Therefore, it has been classified as a Variant of Uncertain Significance.

Department of Pathology and Laboratory Medicine, Sinai Health System
Classification: Uncertain significance for Lethal polymalformative syndrome, Boissel type. Last evaluated: 2023-02-22. Review status: criteria provided, single submitter. Criteria: ACMG Guidelines, 2015. Collection method: research. Allele origin: germline.

Illumina Laboratory Services, Illumina
Classification: Uncertain significance for Lethal polymalformative syndrome, Boissel type. Last evaluated: 2017-04-28. Review status: criteria provided, single submitter. Criteria: ICSL Variant Classification Criteria 13 December 2019. Collection method: clinical testing. Allele origin: germline.
Comment: This variant was observed as part of a predisposition screen in an ostensibly healthy population. A literature search was performed for the gene, cDNA change, and amino acid change (where applicable). Publications were found based on this search. However, the evidence from the literature, in combination with allele frequency data from public databases where available, was not sufficient to rule this variant in or out of causing disease. Therefore, this variant is classified as a variant of unknown significance.

Literature cited by the submitters: PubMed 27105045 (cited by Illumina Laboratory Services, Illumina); PubMed 19833892 (cited by Illumina Laboratory Services, Illumina).